The following is an entry in ClinVar:

ClinVar aggregate classification (germline): Uncertain significance. Review status: criteria provided, multiple submitters, no conflicts (2 of 4 stars). 2 submissions from 2 submitters: Uncertain significance (2). Last evaluated 2023-09-11.

Allele frequency attached by ClinVar (database versions not stated): gnomAD exomes below 0.00001; ExAC 0.00001.
gnomAD v4.1: 6 of 1,614,090 alleles (0.00037%); highest among the groups gnomAD compares: South Asian, 0.0033%; no homozygotes.

Submissions (2):

Women's Health and Genetics/Laboratory Corporation of America, LabCorp
Classification: Uncertain significance. Last evaluated: 2023-09-11. Review status: criteria provided, single submitter. Criteria: LabCorp Variant Classification Summary - May 2015. Collection method: clinical testing. Allele origin: germline.

GeneDx
Classification: Uncertain significance. Last evaluated: 2014-11-17. Review status: criteria provided, single submitter. Criteria: GeneDx Variant Classification (06012015). Collection method: clinical testing. Allele origin: germline. Affected: yes.
Comment: Missense variants in the TTN gene are considered 'unclassified' if they are not previously reported in the literature and do not have >1% frequency in the population to be considered a polymorphism. Research indicates that truncating mutations in the TTN gene are expected to account for approximately 25% of familial and 18% of sporadic idiopathic DCM; however, truncating variants in the TTN gene have been reported in approximately 3% of reported control alleles. There has been little investigation into non-truncating variants. (Herman D et al. Truncations of titin causing dilated cardiomyopathy. N Eng J Med 366:619-628, 2012) The variant is found in CARDIOMYOPATHY panel(s).

NM_001267550.2(TTN):c.8660C>A (p.Thr2887Asn)

Gene: TTN (titin; minus strand). Cytogenetic location: 2q31.2.
Variant type: single nucleotide variant.
Coding change: c.8660C>A on transcript NM_001267550.2 (MANE Select); coding-DNA position 8660, C replaced by A.
Protein change: p.Thr2887Asn; replaces threonine 2887 with asparagine.
Molecular consequence: missense variant.
Genome position (GRCh38, 1-based): chr2:178,769,921, G>T on the plus strand (C>A on the coding strand, the complement: TTN is on the minus strand). VCF-style: chr2-178769921-G-T. GRCh37 (hg19) VCF-style: chr2-179634648-G-T.
Other names: p.T2887N:ACC>AAC; c.8522C>A, p.Thr2841Asn (NM_003319.4, NM_133432.3, NM_133437.4); c.8660C>A, p.Thr2887Asn (NM_133378.4, NM_133379.5, NM_001256850.1); short protein forms T2887N, T2841N.
Identifiers: ClinVar variation 203162 (VCV000203162.3), dbSNP rs752697997, ClinGen allele CA311520.
Genomic context (GRCh38, chr2:178,769,921, plus strand): 5'-TGGGACACCTCACACTCAAAAGAGGCAGTTTTGGTCTCAGGCACCTCGATATTTTTCATG[G>T]TTTTTGTAATATGTAATGCTTGGTAAAATCAAAGAGCACTTCAGTTAATACAATTTGTTT-3'
Protein context (NP_001254479.2, residues 2877-2897): LFVETLHITK[Thr2887Asn]MKNIEVPETK